The following is an entry in ClinVar:

ClinVar aggregate classification (germline): Uncertain significance (1 of 4 stars; one submission).

Conditions:
Familial thoracic aortic aneurysm and aortic dissection (TAAD). Also called: Thoracic aortic aneurysms and dissections. Identifiers: Orphanet 91387, MedGen C4707243, MONDO:0019625.

Submission:

Labcorp Genetics (formerly Invitae), Labcorp
Classification: Uncertain significance for Familial thoracic aortic aneurysm and aortic dissection. Last evaluated: 2024-03-27. Review status: criteria provided, single submitter. Criteria: Invitae Variant Classification Sherloc (09022015). Collection method: clinical testing. Allele origin: germline.
Comment: This sequence change replaces methionine, which is neutral and non-polar, with isoleucine, which is neutral and non-polar, at codon 36 of the TGFBR2 protein (p.Met36Ile). This variant is not present in population databases (gnomAD no frequency). This variant has not been reported in the literature in individuals affected with TGFBR2-related conditions. Advanced modeling of protein sequence and biophysical properties (such as structural, functional, and spatial information, amino acid conservation, physicochemical variation, residue mobility, and thermodynamic stability) performed at Invitae indicates that this missense variant is not expected to disrupt TGFBR2 protein function with a negative predictive value of 95%. In summary, the available evidence is currently insufficient to determine the role of this variant in disease. Therefore, it has been classified as a Variant of Uncertain Significance.

NM_003242.6(TGFBR2):c.108G>A (p.Met36Ile)

Gene: TGFBR2 (transforming growth factor beta receptor 2; plus strand). Cytogenetic location: 3p24.1.
Variant type: single nucleotide variant.
Coding change: c.108G>A on transcript NM_003242.6 (MANE Select); coding-DNA position 108, G replaced by A.
Protein change: p.Met36Ile; replaces methionine 36 with isoleucine.
Molecular consequence: missense variant. On other transcripts: initiator codon variant (6), intron variant (2).
Genome position (GRCh38, 1-based): chr3:30,644,760, G>A. VCF-style: chr3-30644760-G-A. GRCh37 (hg19) VCF-style: chr3-30686252-G-A.
Other names: c.183G>A, p.Met61Ile (NM_001024847.3, NM_001407126.1, NM_001407139.1); c.108G>A, p.Met36Ile (NM_001407127.1, NM_001407130.1); c.135G>A, p.Met45Ile (NM_001407128.1); c.3G>A, p.Met1Ile (NM_001407129.1, NM_001407132.1, NM_001407133.1 and 3 more transcripts); c.169+21487G>A (NM_001407137.1); c.95-26878G>A (NM_001407138.1); short protein forms M36I, M61I, M1I, M45I.
Identifiers: ClinVar variation 3688600 (VCV003688600.2).
Genomic context (GRCh38, chr3:30,644,760, plus strand): 5'-TGCCTGGCAGTTGGATAATCATTTAATATATCTTTCTCTCTCCTCAGTTAATAACGACAT[G>A]ATAGTCACTGACAACAACGGTGCAGTCAAGTTTCCACAACTGTGTAAATTTTGTGATGTG-3'
Protein context (NP_003233.4, residues 26-46): PHVQKSVNND[Met36Ile]IVTDNNGAVK